The following is an entry in ClinVar:

ClinVar aggregate classification (germline): Likely benign (1 of 4 stars; one submission).

gnomAD v4.1: 26 of 1,612,878 alleles (0.0016%); highest among the groups gnomAD compares: African/African-American, 0.004%; no homozygotes.

Submission:

CeGaT Center for Human Genetics Tuebingen
Classification: Likely benign. Last evaluated: 2025-05-01. Review status: criteria provided, single submitter. Criteria: CeGaT Center For Human Genetics Tuebingen Variant Classification Criteria Version 2. Collection method: clinical testing. Allele origin: germline. Affected: yes. Observed: 1 variant allele.
Comment: SLC45A1: BP4, BP7

NM_001080397.3(SLC45A1):c.876G>A (p.Pro292=)

Gene: SLC45A1 (solute carrier family 45 member 1; plus strand). Cytogenetic location: 1p36.23.
Variant type: single nucleotide variant.
Coding change: c.876G>A on transcript NM_001080397.3 (MANE Select); coding-DNA position 876, G replaced by A.
Protein change: p.Pro292=; no amino-acid change (proline 292 retained).
Molecular consequence: synonymous variant.
Genome position (GRCh38, 1-based): chr1:8,330,369, G>A. VCF-style: chr1-8330369-G-A. GRCh37 (hg19) VCF-style: chr1-8390429-G-A.
Other names: c.876G>A, p.Pro292= (NM_001379614.1); c.783G>A, p.Pro261= (NM_001379615.1, NM_001379616.1); c.270G>A, p.Pro90= (NM_001379617.1, NM_001379618.1).
Identifiers: ClinVar variation 3904893 (VCV003904893.10).